The following is an entry in ClinVar:

ClinVar aggregate classification (germline): Uncertain significance (1 of 4 stars; one submission).

Conditions:
Inborn genetic diseases. Identifiers: MedGen C0950123, MeSH D030342.

gnomAD v4.1: 3 of 1,555,984 alleles (0.00019%); highest among the groups gnomAD compares: Non-Finnish European, 0.00026%; no homozygotes.

Submission:

Ambry Genetics
Classification: Uncertain significance for Inborn genetic diseases. Last evaluated: 2020-12-18. Review status: criteria provided, single submitter. Criteria: Ambry Variant Classification Scheme 2023. Collection method: clinical testing. Allele origin: germline.
Comment: The p.G2558E variant (also known as c.7673G>A), located in coding exon 50 of the DST gene, results from a G to A substitution at nucleotide position 7673. The glycine at codon 2558 is replaced by glutamic acid, an amino acid with similar properties. This amino acid position is well conserved in available vertebrate species. In addition, this alteration is predicted to be deleterious by in silico analysis. Since supporting evidence is limited at this time, the clinical significance of this alteration remains unclear.

NM_001374736.1(DST):c.14030G>A (p.Gly4677Glu)

Gene: DST (dystonin; minus strand). Cytogenetic location: 6p12.1.
Variant type: single nucleotide variant.
Coding change: c.14030G>A on transcript NM_001374736.1 (MANE Select); coding-DNA position 14030, G replaced by A.
Protein change: p.Gly4677Glu; replaces glycine 4677 with glutamic acid.
Molecular consequence: missense variant.
Genome position (GRCh38, 1-based): chr6:56,562,176, C>T on the plus strand (G>A on the coding strand, the complement: DST is on the minus strand). VCF-style: chr6-56562176-C-T. GRCh37 (hg19) VCF-style: chr6-56426974-C-T.
Other names: c.7673G>A, p.Gly2558Glu (NM_001144769.5); c.7259G>A, p.Gly2420Glu (NM_001144770.2); c.14030G>A, p.Gly4677Glu (NM_001374722.1); c.13397G>A, p.Gly4466Glu (NM_001374729.1); c.7139G>A, p.Gly2380Glu (NM_001374730.1, NM_001386100.1, NM_183380.4); c.14057G>A, p.Gly4686Glu (NM_001374734.1); c.6161G>A, p.Gly2054Glu (NM_015548.5); short protein forms G2420E, G4466E, G4686E, G2380E, G2558E, G2054E, G4677E.
Identifiers: ClinVar variation 1760087 (VCV001760087.2), dbSNP rs1296085242, ClinGen allele CA364523253.
Genomic context (GRCh38, chr6:56,562,176, plus strand): 5'-ACAAATTAAAATTAATACTCACCTTTATTTGCCCAAAATTCCTCAGTATTTGTGGCTGTT[C>T]CTTCACCATTTAATACTGCTCCACCTGCAAAAATAGTAACACTAAAATAATCACAGTTTC-3'
Protein context (NP_001361665.1, residues 4667-4687): KSGGAVLNGE[Gly4677Glu]TATNTEEFWA